The following is an entry in ClinVar:

ClinVar aggregate classification (germline): Uncertain significance (1 of 4 stars; one submission).

Conditions:
LARS2-related disorder. Also called: LARS2-related condition.

Submission:

PreventionGenetics, part of Exact Sciences
Classification: Uncertain significance for LARS2-related condition. Last evaluated: 2026-05-27. Review status: criteria provided, single submitter. Criteria: ACMG Guidelines, 2015. Collection method: clinical testing. Allele origin: germline.
Comment: The LARS2 c.1296dupG variant is predicted to result in a frameshift and premature protein termination (p.Lys433Glufs*10). To our knowledge, this variant has not been reported in the literature or in a large population database (gnomAD), indicating this variant is rare. Although a small number of patients with LARS2 premature termination variants have been reported in the literature along with a second likely pathogenic (2) or variant of uncertain significance (5), loss of function is not a well established mechanism of disease (Pierce et al. 2013. PubMed ID: 23541342; van der Knaap et al. 2019. PubMed ID: 30737337; Buonfiglio et al. 2022. PubMed ID: 34997062; Table S5, Wu et al. 2022. PubMed ID: 35982127). Although we suspect that this variant may be pathogenic, at this time, the clinical significance of this variant is uncertain due to the absence of conclusive functional and genetic evidence.

NM_015340.4(LARS2):c.1296dup (p.Lys433fs)

Genes: LARS2 (leucyl-tRNA synthetase 2, mitochondrial; plus strand), LARS2-AS1 (LARS2 antisense RNA 1; minus strand). Cytogenetic location: 3p21.31.
Variant type: Duplication.
Coding change: c.1296dup on transcript NM_015340.4 (MANE Select); coding-DNA position 1296, one base duplicated (G; older notation c.1296dupG).
Protein change: p.Lys433fs; shifts the reading frame from lysine 433.
Molecular consequence: frameshift variant.
Genome position (GRCh38, 1-based): chr3:45,491,573, G duplicated; the last of 5 consecutive G bases (chr3:45,491,569-45,491,573); duplicating any one gives the same sequence. VCF-style (leftmost placement, unchanged base first): chr3-45491568-C-CG. GRCh37 (hg19) VCF-style: chr3-45533060-C-CG.
Other names: c.1296dup, p.Lys433fs (NM_001368263.1); short protein forms K433fs.
Identifiers: ClinVar variation 4998958 (VCV004998958.1).